The following is an entry in ClinVar:

NM_001283009.2(RTEL1):c.3499+1G>A

Genes: RTEL1 (regulator of telomere elongation helicase 1; plus strand), RTEL1-TNFRSF6B (RTEL1-TNFRSF6B readthrough (NMD candidate); plus strand). Cytogenetic location: 20q13.33.
Variant type: single nucleotide variant.
Coding change: c.3499+1G>A on transcript NM_001283009.2 (MANE Select); the canonical splice donor site of the intron after coding-DNA position 3499, G replaced by A.
Molecular consequence: splice donor variant.
Genome position (GRCh38, 1-based): chr20:63,695,222, G>A. VCF-style: chr20-63695222-G-A. GRCh37 (hg19) VCF-style: chr20-62326575-G-A.
Other names: c.2830+1G>A (NM_001283010.1); c.3571+1G>A (NM_032957.5); c.3499+1G>A (NM_016434.4).
Identifiers: ClinVar variation 2953149 (VCV002953149.4), dbSNP rs2517201426, ClinGen allele CA409685552.

ClinVar aggregate classification (germline): Conflicting classifications of pathogenicity. Review status: criteria provided, conflicting classifications (1 of 4 stars). 2 submissions from 2 submitters: Likely pathogenic (1); Uncertain significance (1). Last evaluated 2025-10-20.

Conditions:
Dyskeratosis congenita, autosomal recessive 5 (DKCB5). Identifiers: MedGen C3554656, MONDO:0014076, OMIM 615190.
Pulmonary fibrosis and/or bone marrow failure, Telomere-related, 3. Also called: PULMONARY FIBROSIS AND/OR BONE MARROW FAILURE SYNDROME, TELOMERE-RELATED, 3. Identifiers: Orphanet 2032, MedGen C4225346, MONDO:0014613, OMIM 616373.

Submissions (2):

Myriad Genetics, Inc.
Classification: Uncertain significance for Dyskeratosis congenita, autosomal recessive 5. Last evaluated: 2025-10-20. Review status: criteria provided, single submitter. Criteria: Myriad Autosomal Dominant, Autosomal Recessive and X-Linked Classification Criteria (2023). Collection method: clinical testing. Allele origin: unknown.
Comment: NM_001283009.1(RTEL1):c.3499+1G>A is a variant in a canonical splice site classified as a variant of uncertain significance in the context of RTEL1-related disorders. c.3499+1G>A has not been observed in cases with relevant disease. Relevant functional assessments of this variant are not available in the literature. c.3499+1G>A has not been observed in referenced population frequency databases. In summary, there is insufficient evidence to classify NM_001283009.1(RTEL1):c.3499+1G>A as pathogenic or benign. Please note: this variant was assessed in the context of healthy population screening.

Labcorp Genetics (formerly Invitae), Labcorp
Classification: Likely pathogenic for Dyskeratosis congenita, autosomal recessive 5; Pulmonary fibrosis and/or bone marrow failure, Telomere-related, 3. Last evaluated: 2023-10-29. Review status: criteria provided, single submitter. Criteria: Invitae Variant Classification Sherloc (09022015). Collection method: clinical testing. Allele origin: germline.
Comment: This sequence change affects a donor splice site in intron 33 of the RTEL1 gene. It is expected to disrupt RNA splicing. Variants that disrupt the donor or acceptor splice site typically lead to a loss of protein function (PMID: 16199547), and loss-of-function variants in RTEL1 are known to be pathogenic (PMID: 23453664, 23959892, 25607374). This variant is not present in population databases (gnomAD no frequency). This variant has not been reported in the literature in individuals affected with RTEL1-related conditions. Algorithms developed to predict the effect of sequence changes on RNA splicing suggest that this variant may disrupt the consensus splice site. In summary, the currently available evidence indicates that the variant is pathogenic, but additional data are needed to prove that conclusively. Therefore, this variant has been classified as Likely Pathogenic.

Literature cited by the submitters: PubMed 16199547 (cited by Labcorp Genetics (formerly Invitae), Labcorp); PubMed 23453664 (cited by Labcorp Genetics (formerly Invitae), Labcorp); PubMed 23959892 (cited by Labcorp Genetics (formerly Invitae), Labcorp); PubMed 25607374 (cited by Labcorp Genetics (formerly Invitae), Labcorp).